The following is an entry in ClinVar:

NM_001698.3(AUH):c.690G>A (p.Met230Ile)

Gene: AUH (AU RNA binding methylglutaconyl-CoA hydratase; minus strand). Cytogenetic location: 9q22.31.
Variant type: single nucleotide variant.
Coding change: c.690G>A on transcript NM_001698.3 (MANE Select); coding-DNA position 690, G replaced by A.
Protein change: p.Met230Ile; replaces methionine 230 with isoleucine.
Molecular consequence: missense variant.
Genome position (GRCh38, 1-based): chr9:91,220,958, C>T on the plus strand (G>A on the coding strand, the complement: AUH is on the minus strand). VCF-style: chr9-91220958-C-T. GRCh37 (hg19) VCF-style: chr9-93983240-C-T.
Other names: c.603G>A, p.Met201Ile (NM_001306190.2); c.363G>A, p.Met121Ile (NM_001351431.2, NM_001351432.2, NM_001351433.2); short protein forms M121I, M201I, M230I.
Identifiers: ClinVar variation 1502193 (VCV001502193.5), dbSNP rs1403383788, ClinGen allele CA373835314.

ClinVar aggregate classification (germline): Uncertain significance (1 of 4 stars; one submission).

Conditions:
3-methylglutaconic aciduria type 1 (MGCA1). Identifiers: Orphanet 67046, MedGen C0342727, MONDO:0009610, OMIM 250950.

Allele frequency attached by ClinVar (database versions not stated): gnomAD exomes 0.00001.
gnomAD v4.1: 12 of 1,614,194 alleles (0.00074%); highest among the groups gnomAD compares: Non-Finnish European, 0.001%; no homozygotes.

Submission:

Labcorp Genetics (formerly Invitae), Labcorp
Classification: Uncertain significance for 3-methylglutaconic aciduria type 1. Last evaluated: 2022-02-10. Review status: criteria provided, single submitter. Criteria: Invitae Variant Classification Sherloc (09022015). Collection method: clinical testing. Allele origin: germline.
Comment: This sequence change replaces methionine, which is neutral and non-polar, with isoleucine, which is neutral and non-polar, at codon 230 of the AUH protein (p.Met230Ile). This variant is present in population databases (no rsID available, gnomAD 0.0009%). This variant has not been reported in the literature in individuals affected with AUH-related conditions. Algorithms developed to predict the effect of missense changes on protein structure and function (SIFT, PolyPhen-2, Align-GVGD) all suggest that this variant is likely to be tolerated. In summary, the available evidence is currently insufficient to determine the role of this variant in disease. Therefore, it has been classified as a Variant of Uncertain Significance.